The following is an entry in ClinVar:

ClinVar aggregate classification (germline): Conflicting classifications of pathogenicity. Review status: criteria provided, conflicting classifications (1 of 4 stars). 3 submissions from 3 submitters: Uncertain significance (2); Likely benign (1). Last evaluated 2025-04-14.

Conditions:
Developmental delay, hypotonia, musculoskeletal defects, and behavioral abnormalities. Identifiers: MedGen C5562012, MONDO:0859202, OMIM 619595.
Floating-Harbor syndrome (FLHS). Also called: Short stature with delayed bone age, expressive language delay, a triangular face with a prominent nose and deep-set eyes; Pelletier-Leisti syndrome; SRCAP-Related Floating-Harbor Syndrome. Identifiers: Orphanet 2044, MedGen C0729582, MONDO:0007621, OMIM 136140.
Inborn genetic diseases. Identifiers: MedGen C0950123, MeSH D030342.

Allele frequency attached by ClinVar (database versions not stated): ExAC 0.00002; gnomAD 0.00005; gnomAD exomes 0.00007; TOPMed 0.00007; ESP Exome Variant Server 0.00008.
gnomAD v4.1: 110 of 1,614,012 alleles (0.0068%); highest among the groups gnomAD compares: Non-Finnish European, 0.0089%; no homozygotes.

Submissions (3):

Labcorp Genetics (formerly Invitae), Labcorp
Classification: Uncertain significance. Last evaluated: 2025-04-14. Review status: criteria provided, single submitter. Criteria: Invitae Variant Classification Sherloc (09022015). Collection method: clinical testing. Allele origin: germline.
Comment: This sequence change replaces threonine, which is neutral and polar, with isoleucine, which is neutral and non-polar, at codon 2988 of the SRCAP protein (p.Thr2988Ile). This variant is present in population databases (rs369907818, gnomAD 0.004%). This variant has not been reported in the literature in individuals affected with SRCAP-related conditions. ClinVar contains an entry for this variant (Variation ID: 2141869). Invitae Evidence Modeling of protein sequence and biophysical properties (such as structural, functional, and spatial information, amino acid conservation, physicochemical variation, residue mobility, and thermodynamic stability) indicates that this missense variant is not expected to disrupt SRCAP protein function with a negative predictive value of 80%. In summary, the available evidence is currently insufficient to determine the role of this variant in disease. Therefore, it has been classified as a Variant of Uncertain Significance.

Ambry Genetics
Classification: Uncertain significance for Inborn genetic diseases. Last evaluated: 2024-11-21. Review status: criteria provided, single submitter. Criteria: Ambry Variant Classification Scheme 2023. Collection method: clinical testing. Allele origin: germline.

Fulgent Genetics
Classification: Likely benign for Floating-Harbor syndrome; Developmental delay, hypotonia, musculoskeletal defects, and behavioral abnormalities. Last evaluated: 2024-02-12. Review status: criteria provided, single submitter. Criteria: ACMG Guidelines, 2015. Collection method: clinical testing. Allele origin: germline.

NM_006662.3(SRCAP):c.8963C>T (p.Thr2988Ile)

Gene: SRCAP (Snf2 related CREBBP activator protein; plus strand). Cytogenetic location: 16p11.2.
Variant type: single nucleotide variant.
Coding change: c.8963C>T on transcript NM_006662.3 (MANE Select); coding-DNA position 8963, C replaced by T.
Protein change: p.Thr2988Ile; replaces threonine 2988 with isoleucine.
Molecular consequence: missense variant.
Genome position (GRCh38, 1-based): chr16:30,739,003, C>T. VCF-style: chr16-30739003-C-T. GRCh37 (hg19) VCF-style: chr16-30750324-C-T.
Other names: c.8963C>T (NM_006662.2); short protein forms T2988I.
Identifiers: ClinVar variation 2141869 (VCV002141869.6), dbSNP rs369907818, ClinGen allele CA8012803.